The following is an entry in ClinVar:

ClinVar aggregate classification (germline): Uncertain significance (1 of 4 stars; one submission).

Conditions:
Cardiovascular phenotype. Identifiers: MedGen CN230736.

Allele frequency attached by ClinVar (database versions not stated): TOPMed below 0.00001.

Submission:

Ambry Genetics
Classification: Uncertain significance for Cardiovascular phenotype. Last evaluated: 2026-08-28. Review status: criteria provided, single submitter. Criteria: Ambry Variant Classification Scheme 2023. Collection method: clinical testing. Allele origin: germline.
Comment: The c.371-3C>T intronic variant results from a C to T substitution 3 nucleotides upstream from coding exon 6 in the EYA4 gene. This nucleotide position is well conserved in available vertebrate species. In silico splice site analysis predicts that this alteration will weaken the native splice acceptor site. Based on the available evidence, the clinical significance of this variant remains unclear.

NM_004100.5(EYA4):c.371-3C>T

Gene: EYA4 (EYA transcriptional coactivator and phosphatase 4; plus strand). Cytogenetic location: 6q23.2.
Variant type: single nucleotide variant.
Coding change: c.371-3C>T on transcript NM_004100.5 (MANE Select); 3 bases into the intron before coding-DNA position 371, C replaced by T.
Molecular consequence: intron variant.
Genome position (GRCh38, 1-based): chr6:133,461,111, C>T. VCF-style: chr6-133461111-C-T. GRCh37 (hg19) VCF-style: chr6-133782249-C-T.
Other names: c.371-3C>T (NM_001301013.2, NM_172105.4); c.302-3C>T (NM_001370458.1, NM_172103.4); c.209-3C>T (NM_001370459.1, NM_001301012.2).
Identifiers: ClinVar variation 1734221 (VCV001734221.3), dbSNP rs1794342725, ClinGen allele CA645545224.